The following is an entry in ClinVar:

NM_170707.4(LMNA):c.1381-6C>A

Gene: LMNA (lamin A/C; plus strand). Cytogenetic location: 1q22.
Variant type: single nucleotide variant.
Coding change: c.1381-6C>A on transcript NM_170707.4 (MANE Select); 6 bases into the intron before coding-DNA position 1381, C replaced by A.
Molecular consequence: intron variant.
Genome position (GRCh38, 1-based): chr1:156,136,915, C>A. VCF-style: chr1-156136915-C-A. GRCh37 (hg19) VCF-style: chr1-156106706-C-A.
Other names: c.1381-6C>A (NM_001282625.2, NM_001282626.2, NM_170708.4 and 1 more transcripts); c.1045-6C>A (NM_001257374.3); c.1138-6C>A (NM_001282624.2).
Identifiers: ClinVar variation 626614 (VCV000626614.10), dbSNP rs371635492, ClinGen allele CA913190092.
Genomic context (GRCh38, chr1:156,136,915, plus strand): 5'-GAGCAAGATACACCCAAGAGCCTGGGTGAGCCTCCCCGACCTTCCTCTTCCCTATCTTCC[C>A]GGCAGGACCAGTCCATGGGCAATTGGCAGATCAAGCGCCAGAATGGAGATGATCCCTTGC-3'

ClinVar aggregate classification (germline): Uncertain significance. Review status: criteria provided, multiple submitters, no conflicts (2 of 4 stars). 2 submissions from 2 submitters: Uncertain significance (2). Last evaluated 2025-09-15.

Conditions:
Charcot-Marie-Tooth disease type 2. Also called: Charcot-Marie-Tooth type 2. Identifiers: Orphanet 64746, MedGen C0270914, MONDO:0018993.
Cardiomyopathy (CMYO). Also called: Cardiomyopathies. Identifiers: Orphanet 167848, MedGen C0878544, MONDO:0004994, HP:0001638. Inheritance: Various modes of inheritance.

Submissions (2):

Labcorp Genetics (formerly Invitae), Labcorp
Classification: Uncertain significance for Charcot-Marie-Tooth disease type 2. Last evaluated: 2025-09-15. Review status: criteria provided, single submitter. Criteria: Invitae Variant Classification Sherloc (09022015). Collection method: clinical testing. Allele origin: germline.
Comment: This sequence change falls in intron 7 of the LMNA gene. It does not directly change the encoded amino acid sequence of the LMNA protein. This variant is not present in population databases (gnomAD no frequency). This variant has not been reported in the literature in individuals affected with LMNA-related conditions. ClinVar contains an entry for this variant (Variation ID: 626614). Algorithms developed to predict the effect of sequence changes on RNA splicing suggest that this variant may disrupt the consensus splice site. In summary, the available evidence is currently insufficient to determine the role of this variant in disease. Therefore, it has been classified as a Variant of Uncertain Significance.

CHEO Genetics Diagnostic Laboratory, Children's Hospital of Eastern Ontario
Classification: Uncertain significance for Cardiomyopathy. Last evaluated: 2017-08-11. Review status: criteria provided, single submitter. Criteria: ACMG Guidelines, 2015. Collection method: clinical testing. Allele origin: germline. Study: Canadian Open Genetics Repository.